The following is an entry in ClinVar:

NM_015346.4(ZFYVE26):c.1968T>A (p.Ser656Arg)

Gene: ZFYVE26 (zinc finger FYVE-type containing 26; minus strand). Cytogenetic location: 14q24.1.
Variant type: single nucleotide variant.
Coding change: c.1968T>A on transcript NM_015346.4 (MANE Select); coding-DNA position 1968, T replaced by A.
Protein change: p.Ser656Arg; replaces serine 656 with arginine.
Molecular consequence: missense variant.
Genome position (GRCh38, 1-based): chr14:67,798,294, A>T on the plus strand (T>A on the coding strand, the complement: ZFYVE26 is on the minus strand). VCF-style: chr14-67798294-A-T. GRCh37 (hg19) VCF-style: chr14-68265011-A-T.
Other names: c.1968T>A (NM_015346.3); short protein forms S656R.
Identifiers: ClinVar variation 1982270 (VCV001982270.3), dbSNP rs781719443, ClinGen allele CA7240413.

ClinVar aggregate classification (germline): Uncertain significance. Review status: criteria provided, multiple submitters, no conflicts (2 of 4 stars). 3 submissions from 3 submitters: Uncertain significance (3). Last evaluated 2024-10-04.

Conditions:
Inborn genetic diseases. Identifiers: MedGen C0950123, MeSH D030342.
Spastic paraplegia. Identifiers: MedGen C0037772, HP:0001258.

Allele frequency attached by ClinVar (database versions not stated): TOPMed below 0.00001; gnomAD exomes 0.00001; ExAC 0.00002.
gnomAD v4.1: 19 of 1,614,144 alleles (0.0012%); highest among the groups gnomAD compares: Middle Eastern, 0.2%; no homozygotes.

Submissions (3):

Ambry Genetics
Classification: Uncertain significance for Inborn genetic diseases. Last evaluated: 2024-10-04. Review status: criteria provided, single submitter. Criteria: Ambry Variant Classification Scheme 2023. Collection method: clinical testing. Allele origin: germline.

GeneDx
Classification: Uncertain significance. Last evaluated: 2024-06-11. Review status: criteria provided, single submitter. Criteria: GeneDx Variant Classification Process June 2021. Collection method: clinical testing. Allele origin: germline. Affected: yes.
Comment: Not observed at significant frequency in large population cohorts (gnomAD); In silico analysis indicates that this missense variant does not alter protein structure/function; Has not been previously published as pathogenic or benign to our knowledge

Labcorp Genetics (formerly Invitae), Labcorp
Classification: Uncertain significance for Spastic paraplegia. Last evaluated: 2021-09-01. Review status: criteria provided, single submitter. Criteria: Invitae Variant Classification Sherloc (09022015). Collection method: clinical testing. Allele origin: germline.
Comment: This sequence change replaces serine with arginine at codon 656 of the ZFYVE26 protein (p.Ser656Arg). The serine residue is moderately conserved and there is a moderate physicochemical difference between serine and arginine. This variant is present in population databases (rs781719443, ExAC 0.004%). This variant has not been reported in the literature in individuals affected with ZFYVE26-related conditions. Algorithms developed to predict the effect of missense changes on protein structure and function output the following: SIFT: "Tolerated"; PolyPhen-2: "Benign"; Align-GVGD: "Class C0". The arginine amino acid residue is found in multiple mammalian species, which suggests that this missense change does not adversely affect protein function. In summary, the available evidence is currently insufficient to determine the role of this variant in disease. Therefore, it has been classified as a Variant of Uncertain Significance.